The following is an entry in ClinVar:

ClinVar aggregate classification (germline): Uncertain significance (1 of 4 stars; one submission).

Submission:

GeneDx
Classification: Uncertain significance. Last evaluated: 2022-03-14. Review status: criteria provided, single submitter. Criteria: GeneDx Variant Classification Process June 2021. Collection method: clinical testing. Allele origin: germline. Affected: yes.
Comment: Has not been previously published as pathogenic or benign to our knowledge; Not observed at significant frequency in large population cohorts (gnomAD); In silico analysis supports that this missense variant has a deleterious effect on protein structure/function

NM_006766.5(KAT6A):c.1445T>G (p.Met482Arg)

Gene: KAT6A (lysine acetyltransferase 6A; minus strand). Cytogenetic location: 8p11.21.
Variant type: single nucleotide variant.
Coding change: c.1445T>G on transcript NM_006766.5 (MANE Select); coding-DNA position 1445, T replaced by G.
Protein change: p.Met482Arg; replaces methionine 482 with arginine.
Molecular consequence: missense variant.
Genome position (GRCh38, 1-based): chr8:41,974,741, A>C on the plus strand (T>G on the coding strand, the complement: KAT6A is on the minus strand). VCF-style: chr8-41974741-A-C. GRCh37 (hg19) VCF-style: chr8-41832259-A-C.
Other names: c.1445T>G, p.Met482Arg (NM_001305878.2); short protein forms M482R.
Identifiers: ClinVar variation 1675274 (VCV001675274.2), dbSNP rs138707191, ClinGen allele CA175962526.
Genomic context (GRCh38, chr8:41,974,741, plus strand): 5'-CTAACCTGAATATCCAACTTTACCTGCAGTGCTTGTTCTTGGATATCACGAAATAATTCC[A>C]TATCTTTCTCAGTCATGATTTCCTGGCTCCCAAAAAGTCGCTCCTCATTTTCTTGTTTGC-3'
Protein context (NP_006757.2, residues 472-492): GSQEIMTEKD[Met482Arg]ELFRDIQEQA